The following is an entry in ClinVar:

ClinVar aggregate classification (germline): Uncertain significance (1 of 4 stars; one submission).

Conditions:
Bethlem myopathy 1A. Also called: MYOPATHY, BENIGN CONGENITAL, WITH CONTRACTURES; Bethlem Muscular Dystrophy; Bethlem myopathy 1. Identifiers: Orphanet 610, MedGen CN029274, MONDO:0024530, OMIM 158810.

Submission:

Labcorp Genetics (formerly Invitae), Labcorp
Classification: Uncertain significance for Bethlem myopathy 1A. Last evaluated: 2021-06-10. Review status: criteria provided, single submitter. Criteria: Invitae Variant Classification Sherloc (09022015). Collection method: clinical testing. Allele origin: germline.
Comment: This sequence change affects codon 993 of the COL6A2 mRNA. It is a 'silent' change, meaning that it does not change the encoded amino acid sequence of the COL6A2 protein. This variant is not present in population databases (ExAC no frequency). This variant has been observed in individual(s) with Bethlem myopathy (PMID: 17886299). Algorithms developed to predict the effect of sequence changes on RNA splicing suggest that this variant is not likely to affect RNA splicing, but this prediction has not been confirmed by published transcriptional studies. In summary, the available evidence is currently insufficient to determine the role of this variant in disease. Therefore, it has been classified as a Variant of Uncertain Significance.

Literature cited by the submitters: PubMed 17886299.

NM_001849.4(COL6A2):c.2979C>G (p.Arg993=)

Gene: COL6A2 (collagen type VI alpha 2 chain; plus strand). Cytogenetic location: 21q22.3.
Variant type: single nucleotide variant.
Coding change: c.2979C>G on transcript NM_001849.4 (MANE Select); coding-DNA position 2979, C replaced by G.
Protein change: p.Arg993=; no amino-acid change (arginine 993 retained).
Molecular consequence: synonymous variant.
Genome position (GRCh38, 1-based): chr21:46,132,471, C>G. VCF-style: chr21-46132471-C-G. GRCh37 (hg19) VCF-style: chr21-47552385-C-G.
Identifiers: ClinVar variation 1358464 (VCV001358464.8), dbSNP rs6652, ClinGen allele CA513171176.